The following is an entry in ClinVar:

NM_016038.4(SBDS):c.133A>G (p.Lys45Glu)

Gene: SBDS (SBDS ribosome maturation factor; minus strand). Cytogenetic location: 7q11.21.
Variant type: single nucleotide variant.
Coding change: c.133A>G on transcript NM_016038.4 (MANE Select); coding-DNA position 133, A replaced by G.
Protein change: p.Lys45Glu; replaces lysine 45 with glutamic acid.
Molecular consequence: missense variant.
Genome position (GRCh38, 1-based): chr7:66,994,337, T>C on the plus strand (A>G on the coding strand, the complement: SBDS is on the minus strand). VCF-style: chr7-66994337-T-C. GRCh37 (hg19) VCF-style: chr7-66459324-T-C.
Other names: short protein forms K45E.
Identifiers: ClinVar variation 4630227 (VCV004630227.1).

ClinVar aggregate classification (germline): Uncertain significance (1 of 4 stars; one submission).

Conditions:
Inborn genetic diseases. Identifiers: MedGen C0950123, MeSH D030342.

Submission:

Ambry Genetics
Classification: Uncertain significance for Inborn genetic diseases. Last evaluated: 2025-10-17. Review status: criteria provided, single submitter. Criteria: Ambry Variant Classification Scheme 2023. Collection method: clinical testing. Allele origin: germline.
Comment: The p.K45E variant (also known as c.133A>G), located in coding exon 2 of the SBDS gene, results from an A to G substitution at nucleotide position 133. The lysine at codon 45 is replaced by glutamic acid, an amino acid with similar properties. This amino acid position is conserved. In addition, this alteration is predicted to be deleterious by in silico analysis. Based on the available evidence, the clinical significance of this variant remains unclear.